The following is an entry in ClinVar:

NM_001371928.1(AHDC1):c.257_294del (p.Pro86fs)

Gene: AHDC1 (AT-hook DNA binding motif containing 1; minus strand). Cytogenetic location: 1p36.11.
Variant type: Deletion.
Coding change: c.257_294del on transcript NM_001371928.1 (MANE Select); coding-DNA positions 257 to 294, 38 bases deleted.
Protein change: p.Pro86fs; shifts the reading frame from proline 86.
Molecular consequence: frameshift variant.
Genome position (GRCh38, 1-based): chr1:27,551,822-27,551,859, 38 bases deleted; deleting any 38 consecutive bases within chr1:27,551,822-27,551,870 gives the same sequence; the c. name uses the placement nearest the transcript's 3' end. GRCh37 (hg19): chr1:27,878,344-27,878,381.
Other names: c.257_294del, p.Pro86fs (NM_001029882.3); short protein forms P86fs.
Identifiers: ClinVar variation 1455854 (VCV001455854.6), dbSNP rs2148296095, ClinGen allele CA2573132240.

ClinVar aggregate classification (germline): Pathogenic (1 of 4 stars; one submission).

Submission:

Labcorp Genetics (formerly Invitae), Labcorp
Classification: Pathogenic. Last evaluated: 2022-11-29. Review status: criteria provided, single submitter. Criteria: Invitae Variant Classification Sherloc (09022015). Collection method: clinical testing. Allele origin: germline.
Comment: This sequence change creates a premature translational stop signal (p.Pro86Hisfs*28) in the AHDC1 gene. It is expected to result in an absent or disrupted protein product. Loss-of-function variants in AHDC1 are known to be pathogenic (PMID: 24791903, 27148574). This variant is not present in population databases (gnomAD no frequency). For these reasons, this variant has been classified as Pathogenic. ClinVar contains an entry for this variant (Variation ID: 1455854). This variant has not been reported in the literature in individuals affected with AHDC1-related conditions.

Literature cited by the submitters: PubMed 24791903; PubMed 27148574.